The following is an entry in ClinVar:

NM_001903.5(CTNNA1):c.705A>T (p.Ala235=)

Gene: CTNNA1 (catenin alpha 1; plus strand). Cytogenetic location: 5q31.2.
Variant type: single nucleotide variant.
Coding change: c.705A>T on transcript NM_001903.5 (MANE Select); coding-DNA position 705, A replaced by T.
Protein change: p.Ala235=; no amino-acid change (alanine 235 retained).
Molecular consequence: synonymous variant.
Genome position (GRCh38, 1-based): chr5:138,824,646, A>T. VCF-style: chr5-138824646-A-T. GRCh37 (hg19) VCF-style: chr5-138160335-A-T.
Other names: c.705A>T, p.Ala235= (NM_001290307.3, NM_001323982.2, NM_001323983.1 and 3 more transcripts); c.396A>T, p.Ala132= (NM_001290309.3); c.336A>T, p.Ala112= (NM_001290310.3).
Identifiers: ClinVar variation 700683 (VCV000700683.12), dbSNP rs775251197, ClinGen allele CA3431534.
Genomic context (GRCh38, chr5:138,824,646, plus strand): 5'-GAAGAACGTTCCGATCCTCTATACTGCATCCCAGGCATGCCTACAGCACCCTGATGTCGC[A>T]GCCTATAAGGCCAACAGGGACCTGATATACAAGCAGCTGCAGCAGGCGGTCACAGGCATT-3'
Protein context (NP_001894.2, residues 225-245): SQACLQHPDV[Ala235=]AYKANRDLIY

ClinVar aggregate classification (germline): Benign/Likely benign. Review status: criteria provided, multiple submitters, no conflicts (2 of 4 stars). 3 submissions from 3 submitters: Benign (1); Likely benign (2). Last evaluated 2025-05-28.

Conditions:
Hereditary cancer-predisposing syndrome. Also called: Tumor predisposition; Hereditary neoplastic syndrome; Hereditary Cancer Syndrome; Neoplastic Syndromes, Hereditary. Identifiers: Orphanet 140162, MedGen C0027672, MeSH D009386, MONDO:0015356.
Hereditary diffuse gastric adenocarcinoma (HDGC). Also called: DIFFUSE GASTRIC AND LOBULAR BREAST CANCER SYNDROME. Identifiers: Orphanet 26106, MedGen C1708349, MONDO:0007648, OMIM 137215.

Allele frequency attached by ClinVar (database versions not stated): gnomAD exomes below 0.00001; ExAC 0.00001; gnomAD 0.00001; TOPMed 0.00001.
gnomAD v4.1: 3 of 1,614,116 alleles (0.00019%); highest among the groups gnomAD compares: African/African-American, 0.004%; no homozygotes.

Submissions (3):

Labcorp Genetics (formerly Invitae), Labcorp
Classification: Likely benign. Last evaluated: 2025-05-28. Review status: criteria provided, single submitter. Criteria: Invitae Variant Classification Sherloc (09022015). Collection method: clinical testing. Allele origin: germline.

Myriad Genetics, Inc.
Classification: Benign for Hereditary diffuse gastric adenocarcinoma. Last evaluated: 2024-10-10. Review status: criteria provided, single submitter. Criteria: Myriad Autosomal Dominant, Autosomal Recessive and X-Linked Classification Criteria (2023). Collection method: clinical testing. Allele origin: unknown.
Comment: This variant is considered benign. This variant is a silent/synonymous amino acid change and it is not expected to impact splicing.

Ambry Genetics
Classification: Likely benign for Hereditary cancer-predisposing syndrome. Last evaluated: 2021-03-24. Review status: criteria provided, single submitter. Criteria: Ambry Variant Classification Scheme 2023. Collection method: clinical testing. Allele origin: germline.